The following is an entry in ClinVar:

NM_033004.4(NLRP1):c.1998T>G (p.Phe666Leu)

Gene: NLRP1 (NLR family pyrin domain containing 1; minus strand). Cytogenetic location: 17p13.2.
Variant type: single nucleotide variant.
Coding change: c.1998T>G on transcript NM_033004.4 (MANE Select); coding-DNA position 1998, T replaced by G.
Protein change: p.Phe666Leu; replaces phenylalanine 666 with leucine.
Molecular consequence: missense variant.
Genome position (GRCh38, 1-based): chr17:5,558,698, A>C on the plus strand (T>G on the coding strand, the complement: NLRP1 is on the minus strand). VCF-style: chr17-5558698-A-C. GRCh37 (hg19) VCF-style: chr17-5462018-A-C.
Other names: c.1998T>G (NM_033004.3); c.1998T>G, p.Phe666Leu (NM_001033053.3, NM_014922.5, NM_033006.4 and 1 more transcripts); short protein forms F666L.
Identifiers: ClinVar variation 1470914 (VCV001470914.8), dbSNP rs202057812, ClinGen allele CA8327284.
Genomic context (GRCh38, chr17:5,558,698, plus strand): 5'-CATCTCTCTCTCCCCCTCATCACTTAACAGGCCCAATAGGAAACGTGTGGTTGATGCCCC[A>C]AACAGGCCATGTATTCCATATGCTTCTAGCGTCTTTTCCAAATCTATGATGCAATTAGAA-3'
Protein context (NP_127497.1, residues 656-676): TLEAYGIHGL[Phe666Leu]GASTTRFLLG

ClinVar aggregate classification (germline): Conflicting classifications of pathogenicity. Review status: criteria provided, conflicting classifications (1 of 4 stars). 3 submissions from 3 submitters: Uncertain significance (2); Likely benign (1). Last evaluated 2026-03-27.

Conditions:
Inborn genetic diseases. Identifiers: MedGen C0950123, MeSH D030342.

Allele frequency attached by ClinVar (database versions not stated): TOPMed 0.00019.
gnomAD v4.1: 56 of 1,614,038 alleles (0.0035%); highest among the groups gnomAD compares: Admixed American, 0.06%; 1 homozygote.

Submissions (3):

Women's Health and Genetics/Laboratory Corporation of America, LabCorp
Classification: Uncertain significance. Last evaluated: 2026-03-27. Review status: criteria provided, single submitter. Criteria: LabCorp Variant Classification Summary - May 2015. Collection method: clinical testing. Allele origin: germline.
Comment: Variant summary: NLRP1 c.1998T>G (p.Phe666Leu) results in a non-conservative amino acid change in the encoded protein sequence. Algorithms developed to predict the effect of missense changes on protein structure and function are either unavailable or do not agree on the potential impact of this missense change. The variant allele was found at a frequency of 9.1e-05 in 251488 control chromosomes in the gnomAD database, including 1 homozygotes. This frequency is not significantly higher than estimated for disease-causing variants in NLRP1, allowing no conclusion about variant significance. To our knowledge, no occurrence of c.1998T>G in individuals affected with NLRP1-related conditions and no experimental evidence demonstrating its impact on protein function have been reported. ClinVar contains an entry for this variant (Variation ID: 1470914). Based on the evidence outlined above, the variant was classified as uncertain significance.

Labcorp Genetics (formerly Invitae), Labcorp
Classification: Likely benign. Last evaluated: 2025-09-03. Review status: criteria provided, single submitter. Criteria: Invitae Variant Classification Sherloc (09022015). Collection method: clinical testing. Allele origin: germline.

Ambry Genetics
Classification: Uncertain significance for Inborn genetic diseases. Last evaluated: 2024-11-08. Review status: criteria provided, single submitter. Criteria: Ambry Variant Classification Scheme 2023. Collection method: clinical testing. Allele origin: germline.